The following is an entry in ClinVar:

NM_153240.5(NPHP3):c.1118G>A (p.Ser373Asn)

Genes: NPHP3 (nephrocystin 3; minus strand), NPHP3-ACAD11 (NPHP3-ACAD11 readthrough (NMD candidate); minus strand). Cytogenetic location: 3q22.1.
Variant type: single nucleotide variant.
Coding change: c.1118G>A on transcript NM_153240.5 (MANE Select); coding-DNA position 1118, G replaced by A.
Protein change: p.Ser373Asn; replaces serine 373 with asparagine.
Molecular consequence: missense variant. On other transcripts: non-coding transcript variant (1).
Genome position (GRCh38, 1-based): chr3:132,713,126, C>T on the plus strand (G>A on the coding strand, the complement: NPHP3 is on the minus strand). VCF-style: chr3-132713126-C-T. GRCh37 (hg19) VCF-style: chr3-132431970-C-T.
Other names: short protein forms S373N.
Identifiers: ClinVar variation 1521728 (VCV001521728.8), dbSNP rs1939959019, ClinGen allele CA354585330.

ClinVar aggregate classification (germline): Uncertain significance (1 of 4 stars; one submission).

Conditions:
Nephronophthisis. Also called: Juvenile Nephronophthisis. Identifiers: Orphanet 655, MedGen C0687120, MONDO:0019005, HP:0000090.

Allele frequency attached by ClinVar (database versions not stated): gnomAD exomes below 0.00001.
gnomAD v4.1: 1 of 1,404,128 alleles (0.000071%); highest among the groups gnomAD compares: East Asian, 0.0024%; no homozygotes.

Submission:

Labcorp Genetics (formerly Invitae), Labcorp
Classification: Uncertain significance for Nephronophthisis. Last evaluated: 2021-03-31. Review status: criteria provided, single submitter. Criteria: Invitae Variant Classification Sherloc (09022015). Collection method: clinical testing. Allele origin: germline.
Comment: In summary, the available evidence is currently insufficient to determine the role of this variant in disease. Therefore, it has been classified as a Variant of Uncertain Significance. Nucleotide substitutions within the consensus splice site are a relatively common cause of aberrant splicing (PMID: 17576681, 9536098). Algorithms developed to predict the effect of sequence changes on RNA splicing suggest that this variant may disrupt the consensus splice site, but this prediction has not been confirmed by published transcriptional studies. Algorithms developed to predict the effect of missense changes on protein structure and function are either unavailable or do not agree on the potential impact of this missense change (SIFT: "Deleterious"; PolyPhen-2: "Benign"; Align-GVGD: "Class C0"). This variant has not been reported in the literature in individuals with NPHP3-related conditions. This variant is not present in population databases (ExAC no frequency). This sequence change replaces serine with asparagine at codon 373 of the NPHP3 protein (p.Ser373Asn). The serine residue is highly conserved and there is a small physicochemical difference between serine and asparagine. This variant also falls at the last nucleotide of exon 6, which is part of the consensus splice site for this exon.

Literature cited by the submitters: PubMed 17576681; PubMed 9536098.